The following is an entry in ClinVar:

ClinVar aggregate classification (germline): Uncertain significance (1 of 4 stars; one submission).

Conditions:
TMEM67-related disorder. Also called: TMEM67-related condition; TMEM67-related disorders. Identifiers: MedGen CN239423.

gnomAD v4.1: 4 of 1,606,718 alleles (0.00025%); highest among the groups gnomAD compares: African/African-American, 0.0054%; no homozygotes.

Submission:

PreventionGenetics, part of Exact Sciences
Classification: Uncertain significance for TMEM67-related condition. Last evaluated: 2024-10-31. Review status: criteria provided, single submitter. Criteria: ACMG Guidelines, 2015. Collection method: clinical testing. Allele origin: germline.
Comment: The TMEM67 c.2741T>C variant is predicted to result in the amino acid substitution p.Met914Thr. To our knowledge, this variant has not been reported in the literature. This variant is reported in 0.012% of alleles in individuals of African descent in gnomAD. At this time, the clinical significance of this variant is uncertain due to the absence of conclusive functional and genetic evidence.

NM_153704.6(TMEM67):c.2741T>C (p.Met914Thr)

Gene: TMEM67 (transmembrane protein 67; plus strand). Cytogenetic location: 8q22.1.
Variant type: single nucleotide variant.
Coding change: c.2741T>C on transcript NM_153704.6 (MANE Select); coding-DNA position 2741, T replaced by C.
Protein change: p.Met914Thr; replaces methionine 914 with threonine.
Molecular consequence: missense variant. On other transcripts: non-coding transcript variant (1).
Genome position (GRCh38, 1-based): chr8:93,809,864, T>C. VCF-style: chr8-93809864-T-C. GRCh37 (hg19) VCF-style: chr8-94822092-T-C.
Other names: c.2498T>C, p.Met833Thr (NM_001142301.1); short protein forms M914T, M833T.
Identifiers: ClinVar variation 4978556 (VCV004978556.1).